The following is an entry in ClinVar:

ClinVar aggregate classification (germline): Pathogenic/Likely pathogenic. Review status: criteria provided, multiple submitters, no conflicts (2 of 4 stars). 2 submissions from 2 submitters: Pathogenic (1); Likely pathogenic (1). Last evaluated 2023-11-06.

Conditions:
Long chain 3-hydroxyacyl-CoA dehydrogenase deficiency. Also called: LCHAD Deficiency; Deficiency of long-chain 3-hydroxyacyl-coenzyme A dehydrogenase. Identifiers: Orphanet 5, MedGen C3711645, MONDO:0012173, OMIM 609016.
Mitochondrial trifunctional protein deficiency. Identifiers: Orphanet 746, MedGen C1969443, MONDO:0012172.

Submissions (2):

Baylor Genetics
Classification: Likely pathogenic for Long chain 3-hydroxyacyl-CoA dehydrogenase deficiency. Last evaluated: 2023-11-06. Review status: criteria provided, single submitter. Criteria: ACMG Guidelines, 2015. Collection method: clinical testing. Allele origin: unknown.

Labcorp Genetics (formerly Invitae), Labcorp
Classification: Pathogenic for Mitochondrial trifunctional protein deficiency; Long chain 3-hydroxyacyl-CoA dehydrogenase deficiency. Last evaluated: 2023-03-30. Review status: criteria provided, single submitter. Criteria: Invitae Variant Classification Sherloc (09022015). Collection method: clinical testing. Allele origin: germline.
Comment: For these reasons, this variant has been classified as Pathogenic. ClinVar contains an entry for this variant (Variation ID: 651987). This variant has not been reported in the literature in individuals affected with HADHA-related conditions. This variant is present in population databases (no rsID available, gnomAD 0.003%). This sequence change creates a premature translational stop signal (p.Arg549Glyfs*6) in the HADHA gene. It is expected to result in an absent or disrupted protein product. Loss-of-function variants in HADHA are known to be pathogenic (PMID: 7738175, 21103935, 21549624, 22459206).

Literature cited by the submitters: PubMed 7738175 (cited by Labcorp Genetics (formerly Invitae), Labcorp); PubMed 21103935 (cited by Labcorp Genetics (formerly Invitae), Labcorp); PubMed 21549624 (cited by Labcorp Genetics (formerly Invitae), Labcorp); PubMed 22459206 (cited by Labcorp Genetics (formerly Invitae), Labcorp).

NM_000182.5(HADHA):c.1644del (p.Arg549fs)

Genes: HADHA (hydroxyacyl-CoA dehydrogenase trifunctional multienzyme complex subunit alpha; minus strand), GAREM2 (GRB2 associated regulator of MAPK1 subtype 2; plus strand). Cytogenetic location: 2p23.3.
Variant type: Deletion.
Coding change: c.1644del on transcript NM_000182.5 (MANE Select); coding-DNA position 1644, one base deleted (C; older notation c.1644delC).
Protein change: p.Arg549fs; shifts the reading frame from arginine 549.
Molecular consequence: frameshift variant.
Genome position (GRCh38, 1-based): chr2:26,194,615, G deleted on the plus strand (C on the coding strand, the reverse complement: HADHA is on the minus strand); the first of 2 consecutive G bases (chr2:26,194,615-26,194,616); deleting either gives the same sequence. VCF-style (leftmost placement, unchanged base first): chr2-26194614-TG-T. GRCh37 (hg19) VCF-style: chr2-26417483-TG-T.
Other names: short protein forms R549fs.
Identifiers: ClinVar variation 651987 (VCV000651987.11), dbSNP rs1267615713, ClinGen allele CA425200535.